The following is an entry in ClinVar:

NM_147686.4(TRAF3IP2):c.251G>T (p.Arg84Leu)

Genes: TRAF3IP2 (TRAF3 interacting protein 2; minus strand), TRAF3IP2-AS1 (TRAF3IP2 antisense RNA 1; plus strand), LOC114803478 (TRAF3IP2 eExon liver enhancer; plus strand). Cytogenetic location: 6q21.
Variant type: single nucleotide variant.
Coding change: c.251G>T on transcript NM_147686.4 (MANE Select); coding-DNA position 251, G replaced by T.
Protein change: p.Arg84Leu; replaces arginine 84 with leucine.
Molecular consequence: missense variant.
Genome position (GRCh38, 1-based): chr6:111,591,836, C>A on the plus strand (G>T on the coding strand, the complement: TRAF3IP2 is on the minus strand). VCF-style: chr6-111591836-C-A. GRCh37 (hg19) VCF-style: chr6-111913039-C-A.
Other names: c.251G>T, p.Arg84Leu (NM_001164281.3); c.278G>T, p.Arg93Leu (NM_147200.3); short protein forms R84L, R93L.
Identifiers: ClinVar variation 3718377 (VCV003718377.2).

ClinVar aggregate classification (germline): Uncertain significance (1 of 4 stars; one submission).

Conditions:
Candidiasis, familial, 8 (CANDF8). Identifiers: Orphanet 1334, MedGen C3714992, MONDO:0014230, OMIM 615527.

gnomAD v4.1: 4 of 1,614,070 alleles (0.00025%); highest among the groups gnomAD compares: South Asian, 0.0033%; no homozygotes.

Submission:

Labcorp Genetics (formerly Invitae), Labcorp
Classification: Uncertain significance for Candidiasis, familial, 8. Last evaluated: 2024-05-15. Review status: criteria provided, single submitter. Criteria: Invitae Variant Classification Sherloc (09022015). Collection method: clinical testing. Allele origin: germline.
Comment: This sequence change replaces arginine, which is basic and polar, with leucine, which is neutral and non-polar, at codon 84 of the TRAF3IP2 protein (p.Arg84Leu). This variant is present in population databases (no rsID available, gnomAD 0.003%). This variant has not been reported in the literature in individuals affected with TRAF3IP2-related conditions. Advanced modeling of protein sequence and biophysical properties (such as structural, functional, and spatial information, amino acid conservation, physicochemical variation, residue mobility, and thermodynamic stability) performed at Invitae indicates that this missense variant is not expected to disrupt TRAF3IP2 protein function with a negative predictive value of 80%. In summary, the available evidence is currently insufficient to determine the role of this variant in disease. Therefore, it has been classified as a Variant of Uncertain Significance.